The following is an entry in ClinVar:

NM_006180.6(NTRK2):c.941C>T (p.Ala314Val)

Gene: NTRK2 (neurotrophic receptor tyrosine kinase 2; plus strand). Cytogenetic location: 9q21.33.
Variant type: single nucleotide variant.
Coding change: c.941C>T on transcript NM_006180.6 (MANE Select); coding-DNA position 941, C replaced by T.
Protein change: p.Ala314Val; replaces alanine 314 with valine.
Molecular consequence: missense variant.
Genome position (GRCh38, 1-based): chr9:84,727,741, C>T. VCF-style: chr9-84727741-C-T. GRCh37 (hg19) VCF-style: chr9-87342656-C-T.
Other names: c.941C>T, p.Ala314Val (NM_001007097.3, NM_001018064.3, NM_001018065.2 and 16 more transcripts); c.902C>T, p.Ala301Val (NM_001291937.2, NM_001369546.1); c.473C>T, p.Ala158Val (NM_001369535.1, NM_001369536.1, NM_001369552.1 and 2 more transcripts); c.941C>T (NM_006180.4); short protein forms A158V, A301V, A314V.
Identifiers: ClinVar variation 1381183 (VCV001381183.9), dbSNP rs763671078, ClinGen allele CA5105602.

ClinVar aggregate classification (germline): Uncertain significance. Review status: criteria provided, multiple submitters, no conflicts (2 of 4 stars). 2 submissions from 2 submitters: Uncertain significance (2). Last evaluated 2025-12-08.

Conditions:
NTRK2-related disorder. Also called: NTRK2-related condition.

Allele frequency attached by ClinVar (database versions not stated): gnomAD 0.00001; gnomAD exomes 0.00001; ExAC 0.00002.
gnomAD v4.1: 16 of 1,614,080 alleles (0.00099%); highest among the groups gnomAD compares: East Asian, 0.02%; no homozygotes.

Submissions (2):

Labcorp Genetics (formerly Invitae), Labcorp
Classification: Uncertain significance. Last evaluated: 2025-12-08. Review status: criteria provided, single submitter. Criteria: Invitae Variant Classification Sherloc (09022015). Collection method: clinical testing. Allele origin: germline.
Comment: This sequence change replaces alanine, which is neutral and non-polar, with valine, which is neutral and non-polar, at codon 314 of the NTRK2 protein (p.Ala314Val). This variant is present in population databases (rs763671078, gnomAD 0.01%). This variant has not been reported in the literature in individuals affected with NTRK2-related conditions. ClinVar contains an entry for this variant (Variation ID: 1381183). Invitae Evidence Modeling of protein sequence and biophysical properties (such as structural, functional, and spatial information, amino acid conservation, physicochemical variation, residue mobility, and thermodynamic stability) indicates that this missense variant is not expected to disrupt NTRK2 protein function with a negative predictive value of 80%. In summary, the available evidence is currently insufficient to determine the role of this variant in disease. Therefore, it has been classified as a Variant of Uncertain Significance.

PreventionGenetics, part of Exact Sciences
Classification: Uncertain significance for NTRK2-related condition. Last evaluated: 2025-08-15. Review status: criteria provided, single submitter. Criteria: ACMG Guidelines, 2015. Collection method: clinical testing. Allele origin: germline.
Comment: The NTRK2 c.941C>T variant is predicted to result in the amino acid substitution p.Ala314Val. To our knowledge, this variant has not been reported in the literature. This variant is reported in 0.011% of alleles in individuals of East Asian descent in gnomAD. At this time, the clinical significance of this variant is uncertain due to the absence of conclusive functional and genetic evidence.